The following is an entry in ClinVar:

NM_005476.7(GNE):c.1670T>C (p.Ile557Thr)

Gene: GNE (glucosamine (UDP-N-acetyl)-2-epimerase/N-acetylmannosamine kinase; minus strand). Cytogenetic location: 9p13.3.
Variant type: single nucleotide variant.
Coding change: c.1670T>C on transcript NM_005476.7 (MANE Select); coding-DNA position 1670, T replaced by C.
Protein change: p.Ile557Thr; replaces isoleucine 557 with threonine.
Molecular consequence: missense variant.
Genome position (GRCh38, 1-based): chr9:36,219,984, A>G on the plus strand (T>C on the coding strand, the complement: GNE is on the minus strand). VCF-style: chr9-36219984-A-G. GRCh37 (hg19) VCF-style: chr9-36219981-A-G.
Other names: c.1763T>C, p.Ile588Thr (NM_001128227.3); c.1448T>C, p.Ile483Thr (NM_001190383.3); c.1340T>C, p.Ile447Thr (NM_001190384.3); c.1493T>C, p.Ile498Thr (NM_001190388.2, NM_001374798.1); c.1517T>C, p.Ile506Thr (NM_001374797.1); short protein forms I588T, I557T, I447T, I483T, I498T, I506T.
Identifiers: ClinVar variation 288683 (VCV000288683.11), dbSNP rs886043979, ClinGen allele CA10606187.

ClinVar aggregate classification (germline): Conflicting classifications of pathogenicity. Review status: criteria provided, conflicting classifications (1 of 4 stars). 4 submissions from 4 submitters: Likely pathogenic (2); Uncertain significance (2). Last evaluated 2025-09-15.

Conditions:
Sialuria. Also called: Sialic Acid Storage Disease; SIALURIA, FRENCH TYPE. Identifiers: Orphanet 3166, MedGen C0342853, MONDO:0010028, OMIM 269921.
GNE myopathy (NM). Also called: NONAKA DISTAL MYOPATHY; IBM 2; Inclusion body myopathy autosomal recessive; Inclusion body myopathy quadriceps sparing; INCLUSION BODY MYOPATHY, HEREDITARY, AUTOSOMAL RECESSIVE; INCLUSION BODY MYOPATHY 2, AUTOSOMAL RECESSIVE. Identifiers: Orphanet 602, MedGen C1853926, MONDO:0011603, OMIM 605820.

Allele frequency attached by ClinVar (database versions not stated): TOPMed below 0.00001.

Submissions (4):

Natera, Inc.
Classification: Likely pathogenic for Nonaka myopathy. Last evaluated: 2025-09-15. Review status: criteria provided, single submitter. Criteria: Natera Variant Classification Schema (03/2026). Collection method: clinical testing. Allele origin: germline.
Comment: The c.1763T>C variant in GNE is a missense variant predicted to cause substitution of isoleucine to threonine at amino acid 588. This variant is rare in the general population with a frequency below the threshold expected for the associated phenotype(s). This variant has been observed in one or more individuals affected with the associated recessive disease, as either homozygous or compound heterozygous with a second variant (PMID: 15136692, 12497639). Functional studies show that this variant may disrupt protein function (PMID:35202935). Computational prediction algorithms indicate this variant is likely to affect gene or protein function. Given the available evidence, this variant is classified as Likely Pathogenic.

Labcorp Genetics (formerly Invitae), Labcorp
Classification: Likely pathogenic for Sialuria; GNE myopathy. Last evaluated: 2024-05-14. Review status: criteria provided, single submitter. Criteria: Invitae Variant Classification Sherloc (09022015). Collection method: clinical testing. Allele origin: germline.
Comment: This sequence change replaces isoleucine, which is neutral and non-polar, with threonine, which is neutral and polar, at codon 588 of the GNE protein (p.Ile588Thr). This variant is not present in population databases (gnomAD no frequency). This missense change has been observed in individuals with distal myopathy (PMID: 12497639, 15136692). This variant is also known as c.1721T>C (Ile557Thr). ClinVar contains an entry for this variant (Variation ID: 288683). Advanced modeling of protein sequence and biophysical properties (such as structural, functional, and spatial information, amino acid conservation, physicochemical variation, residue mobility, and thermodynamic stability) has been performed at Invitae for this missense variant, however the output from this modeling did not meet the statistical confidence thresholds required to predict the impact of this variant on GNE protein function. In summary, the currently available evidence indicates that the variant is pathogenic, but additional data are needed to prove that conclusively. Therefore, this variant has been classified as Likely Pathogenic.

Athena Diagnostics
Classification: Uncertain significance. Last evaluated: 2019-05-09. Review status: criteria provided, single submitter. Criteria: Athena Diagnostics Criteria. Collection method: clinical testing. Allele origin: germline.

Eurofins Ntd Llc (ga)
Classification: Uncertain significance. Last evaluated: 2016-06-09. Review status: criteria provided, single submitter. Criteria: EGL Classification Definitions 2015. Collection method: clinical testing. Allele origin: germline. Observed: 1 variant allele, 1 heterozygote.

Literature cited by the submitters: PubMed 15136692 (cited by Natera, Inc. and Labcorp Genetics (formerly Invitae), Labcorp); PubMed 12497639 (cited by Natera, Inc. and Labcorp Genetics (formerly Invitae), Labcorp); PubMed 35202935 (cited by Natera, Inc.).